The following is an entry in ClinVar:

NM_138554.5(TLR4):c.*2010G>C

Gene: TLR4 (toll like receptor 4; plus strand). Cytogenetic location: 9q33.1.
Variant type: single nucleotide variant.
Coding change: c.*2010G>C on transcript NM_138554.5 (MANE Select); 2010 bases downstream of the stop codon, G replaced by C.
Molecular consequence: 3 prime UTR variant.
Genome position (GRCh38, 1-based): chr9:117,716,658, G>C. VCF-style: chr9-117716658-G-C. GRCh37 (hg19) VCF-style: chr9-120478936-G-C.
Other names: c.*2010G>C (NM_003266.4, NM_138557.3).
Identifiers: ClinVar variation 1276780 (VCV001276780.2), dbSNP rs7873784, ClinGen allele CA15587306.

ClinVar aggregate classification (germline): Benign. Review status: criteria provided, multiple submitters, no conflicts (2 of 4 stars). 2 submissions from 2 submitters: Benign (2). Last evaluated 2020-07-15.

Allele frequency attached by ClinVar (database versions not stated): 1000 Genomes Project 0.14038; 1000 Genomes Project 30x 0.14194; TOPMed 0.16485.

Submissions (2):

GeneDx
Classification: Benign. Last evaluated: 2020-07-15. Review status: criteria provided, single submitter. Criteria: GeneDx Variant Classification Process June 2021. Collection method: clinical testing. Allele origin: germline. Affected: yes.
Comment: This variant is associated with the following publications: (PMID: 31785408)

Breakthrough Genomics
Classification: Benign. Review status: criteria provided, single submitter. Criteria: ACMG Guidelines, 2015. Collection method: not provided. Allele origin: germline. Inheritance: Unknown mechanism. Affected: yes.